The following is an entry in ClinVar:

ClinVar aggregate classification (germline): Uncertain significance (1 of 4 stars; one submission).

Conditions:
Hereditary cancer-predisposing syndrome. Also called: Neoplastic Syndromes, Hereditary; Tumor predisposition; Hereditary Cancer Syndrome; Hereditary neoplastic syndrome. Identifiers: Orphanet 140162, MedGen C0027672, MeSH D009386, MONDO:0015356.

Submissions (2):

Ambry Genetics
Classification: Uncertain significance for Hereditary cancer-predisposing syndrome. Last evaluated: 2019-06-05. Review status: criteria provided, single submitter. Criteria: Ambry Variant Classification Scheme 2023. Collection method: clinical testing. Allele origin: germline.
Comment: The p.E1683D variant (also known as c.5049G>T), located in coding exon 15 of the BRCA1 gene, results from a G to T substitution at nucleotide position 5049. The glutamic acid at codon 1683 is replaced by aspartic acid, an amino acid with highly similar properties. This amino acid position is well conserved in available vertebrate species. In addition, the in silico prediction for this alteration is inconclusive. Since supporting evidence is limited at this time, the clinical significance of this alteration remains unclear.

Brotman Baty Institute, University of Washington
No classification provided (evidence only). Condition: Breast-ovarian cancer, familial 1. Review status: no classification provided. Collection method: in vitro. Allele origin: not applicable. Functional consequence: functionally_normal. Not counted in ClinVar's aggregate classification.
ClinVar note: "not provided" was previously submitted as the classification for the variant. However, the classification appeared to be based only on an observation of functional data so it was converted to no classification on 2025-07-30.

NM_007294.4(BRCA1):c.5049G>T (p.Glu1683Asp)

Gene: BRCA1 (BRCA1 DNA repair associated; minus strand). Cytogenetic location: 17q21.31.
Variant type: single nucleotide variant.
Coding change: c.5049G>T on transcript NM_007294.4 (MANE Select); coding-DNA position 5049, G replaced by T.
Protein change: p.Glu1683Asp; replaces glutamic acid 1683 with aspartic acid.
Molecular consequence: missense variant. On other transcripts: non-coding transcript variant (1).
Genome position (GRCh38, 1-based): chr17:43,067,633, C>A on the plus strand (G>T on the coding strand, the complement: BRCA1 is on the minus strand). VCF-style: chr17-43067633-C-A. GRCh37 (hg19) VCF-style: chr17-41219650-C-A.
Other names: c.4836G>T, p.Glu1612Asp (NM_001407571.1, NM_001407894.1, NM_001407908.1 and 12 more transcripts); c.5115G>T, p.Glu1705Asp (NM_001407581.1, NM_001407582.1); c.5112G>T, p.Glu1704Asp (NM_001407583.1, NM_001407585.1, NM_001407587.1 and 1 more transcripts); c.5109G>T, p.Glu1703Asp (NM_001407590.1, NM_001407591.1); c.5049G>T, p.Glu1683Asp (NM_001407593.1, NM_001407594.1, NM_001407596.1 and 8 more transcripts); c.5046G>T, p.Glu1682Asp (NM_001407615.1, NM_001407616.1, NM_001407617.1 and 17 more transcripts); c.5043G>T, p.Glu1681Asp (NM_001407634.1, NM_001407635.1, NM_001407636.1 and 14 more transcripts); c.4968G>T, p.Glu1656Asp (NM_001407656.1, NM_001407657.1, NM_001407658.1); and 70 more; short protein forms E579D, E1683D, E1704D, E1636D, E1387D, E1514D, E1554D, E1593D.
Identifiers: ClinVar variation 868565 (VCV000868565.5), dbSNP rs2052165956, ClinGen allele CA10591419.
Genomic context (GRCh38, chr17:43,067,633, plus strand): 5'-AGATGCAAGGTATTCTGTAAAGGTTCTTGGTATACCTGTTTTCATAACAACATGAGTAGT[C>A]TCTTCAGTAATTAGATTAGTTAAAGTGATGTGGTGTTTTCTGGCAAACTTGTACACGAGC-3'
Protein context (NP_009225.1, residues 1673-1693): HITLTNLITE[Glu1683Asp]TTHVVMKTDA